The following is an entry in ClinVar:

ClinVar aggregate classification (germline): Uncertain significance (1 of 4 stars; one submission).

Conditions:
Infantile-onset ascending hereditary spastic paralysis (IAHSP). Also called: Autosomal Recessive Juvenile Amyotrophic Lateral Sclerosis; Infantile-Onset Ascending Hereditary Spastic Paralysis (IAHSP). Identifiers: Orphanet 293168, MedGen C2931441, MONDO:0011797, OMIM 607225. Disease mechanism: loss of function.

Submission:

Labcorp Genetics (formerly Invitae), Labcorp
Classification: Uncertain significance for Infantile-onset ascending hereditary spastic paralysis. Last evaluated: 2022-06-20. Review status: criteria provided, single submitter. Criteria: Invitae Variant Classification Sherloc (09022015). Collection method: clinical testing. Allele origin: germline.
Comment: In summary, the available evidence is currently insufficient to determine the role of this variant in disease. Therefore, it has been classified as a Variant of Uncertain Significance. Algorithms developed to predict the effect of missense changes on protein structure and function are either unavailable or do not agree on the potential impact of this missense change (SIFT: "Deleterious"; PolyPhen-2: "Probably Damaging"; Align-GVGD: "Class C0"). This variant has not been reported in the literature in individuals affected with ALS2-related conditions. This variant is not present in population databases (gnomAD no frequency). This sequence change replaces glycine, which is neutral and non-polar, with arginine, which is basic and polar, at codon 66 of the ALS2 protein (p.Gly66Arg).

NM_020919.4(ALS2):c.196G>A (p.Gly66Arg)

Gene: ALS2 (alsin Rho guanine nucleotide exchange factor ALS2; minus strand). Cytogenetic location: 2q33.1.
Variant type: single nucleotide variant.
Coding change: c.196G>A on transcript NM_020919.4 (MANE Select); coding-DNA position 196, G replaced by A.
Protein change: p.Gly66Arg; replaces glycine 66 with arginine.
Molecular consequence: missense variant.
Genome position (GRCh38, 1-based): chr2:201,761,798, C>T on the plus strand (G>A on the coding strand, the complement: ALS2 is on the minus strand). VCF-style: chr2-201761798-C-T. GRCh37 (hg19) VCF-style: chr2-202626521-C-T.
Other names: c.196G>A, p.Gly66Arg (NM_001135745.2, NM_001410975.1); short protein forms G66R.
Identifiers: ClinVar variation 2112477 (VCV002112477.4), dbSNP rs2469919124, ClinGen allele CA350329378.
Genomic context (GRCh38, chr2:201,761,798, plus strand): 5'-TTTCTAGAATGGGGCTACTTGGACAAATCTCCACTGGTCCACTTCTCCAGGGAAGAGTCC[C>T]AAAGCTGTAGACCTCACCATCTGAAGGTTAAAAAAAAGAAAAAAGAAAAAAAAAAGGGTT-3'
Protein context (NP_065970.2, residues 56-76): LTEDGEVYSF[Gly66Arg]TLPWRSGPVE